The following is an entry in ClinVar:

ClinVar aggregate classification (germline): Uncertain significance (1 of 4 stars; one submission).

Conditions:
Arrhythmogenic cardiomyopathy with wooly hair and keratoderma. Also called: Carvajal syndrome; PALMOPLANTAR KERATODERMA WITH LEFT VENTRICULAR CARDIOMYOPATHY AND WOOLLY HAIR; Dilated cardiomyopathy with woolly hair and keratoderma; Arrhythmogenic cardiomyopathy with woolly hair and keratoderma. Identifiers: Orphanet 65282, MedGen C1854063, MONDO:0011581, OMIM 605676.
Arrhythmogenic right ventricular dysplasia 8 (ARVD8). Also called: Arrhythmogenic Right Ventricular Dysplasia/Cardiomyopathy 8; ARRHYTHMOGENIC RIGHT VENTRICULAR DYSPLASIA, FAMILIAL, 8; ARRHYTHMOGENIC RIGHT VENTRICULAR CARDIOMYOPATHY 8. Identifiers: MedGen C1843896, MONDO:0011831, OMIM 607450.

gnomAD v4.1: 1 of 1,611,144 alleles (0.000062%); highest among the groups gnomAD compares: Middle Eastern, 0.017%; no homozygotes.

Submission:

Labcorp Genetics (formerly Invitae), Labcorp
Classification: Uncertain significance for Arrhythmogenic cardiomyopathy with wooly hair and keratoderma; Arrhythmogenic right ventricular dysplasia 8. Last evaluated: 2025-12-14. Review status: criteria provided, single submitter. Criteria: Invitae Variant Classification Sherloc (09022015). Collection method: clinical testing. Allele origin: germline.
Comment: This sequence change replaces aspartic acid, which is acidic and polar, with glutamic acid, which is acidic and polar, at codon 2851 of the DSP protein (p.Asp2851Glu). This variant is not present in population databases (gnomAD no frequency). This variant has not been reported in the literature in individuals affected with DSP-related conditions. An algorithm developed to predict the effect of missense changes on protein structure and function (PolyPhen-2) suggests that this variant is likely to be disruptive. In summary, the available evidence is currently insufficient to determine the role of this variant in disease. Therefore, it has been classified as a Variant of Uncertain Significance.

NM_004415.4(DSP):c.8553C>A (p.Asp2851Glu)

Gene: DSP (desmoplakin; plus strand). Cytogenetic location: 6p24.3.
Variant type: single nucleotide variant.
Coding change: c.8553C>A on transcript NM_004415.4 (MANE Select); coding-DNA position 8553, C replaced by A.
Protein change: p.Asp2851Glu; replaces aspartic acid 2851 with glutamic acid.
Molecular consequence: missense variant.
Genome position (GRCh38, 1-based): chr6:7,585,815, C>A. VCF-style: chr6-7585815-C-A. GRCh37 (hg19) VCF-style: chr6-7586048-C-A.
Other names: c.6756C>A, p.Asp2252Glu (NM_001008844.3); c.7224C>A, p.Asp2408Glu (NM_001319034.2); short protein forms D2252E, D2851E, D2408E.
Identifiers: ClinVar variation 4785700 (VCV004785700.1).
Genomic context (GRCh38, chr6:7,585,815, plus strand): 5'-GGGATCTCGCTCCGGATCTCGCTCCGGGTCCCGCAGTGGGTCCCGGAGAGGAAGCTTTGA[C>A]GCCACAGGGAATTCTTCCTACTCTTATTCCTACTCATTTAGCAGTAGTTCTATTGGGCAC-3'
Protein context (NP_004406.2, residues 2841-2861): SRSGSRRGSF[Asp2851Glu]ATGNSSYSYS